The following is an entry in ClinVar:

NM_002133.3(HMOX1):c.247C>G (p.Leu83Val)

Gene: HMOX1 (heme oxygenase 1; plus strand). Cytogenetic location: 22q12.3.
Variant type: single nucleotide variant.
Coding change: c.247C>G on transcript NM_002133.3 (MANE Select); coding-DNA position 247, C replaced by G.
Protein change: p.Leu83Val; replaces leucine 83 with valine.
Molecular consequence: missense variant.
Genome position (GRCh38, 1-based): chr22:35,386,787, C>G. VCF-style: chr22-35386787-C-G. GRCh37 (hg19) VCF-style: chr22-35782780-C-G.
Other names: short protein forms L83V.
Identifiers: ClinVar variation 2893469 (VCV002893469.1), dbSNP rs772672081, ClinGen allele CA10204668.

ClinVar aggregate classification (germline): Uncertain significance (1 of 4 stars; one submission).

Allele frequency attached by ClinVar (database versions not stated): gnomAD exomes 0.00001; TOPMed 0.00002; ExAC 0.00004.
gnomAD v4.1: 7 of 1,614,246 alleles (0.00043%); highest among the groups gnomAD compares: Admixed American, 0.012%; no homozygotes.

Submission:

Labcorp Genetics (formerly Invitae), Labcorp
Classification: Uncertain significance. Last evaluated: 2023-09-29. Review status: criteria provided, single submitter. Criteria: Invitae Variant Classification Sherloc (09022015). Collection method: clinical testing. Allele origin: germline.
Comment: This sequence change replaces leucine, which is neutral and non-polar, with valine, which is neutral and non-polar, at codon 83 of the HMOX1 protein (p.Leu83Val). This variant is present in population databases (rs772672081, gnomAD 0.02%). This variant has not been reported in the literature in individuals affected with HMOX1-related conditions. An algorithm developed to predict the effect of missense changes on protein structure and function (PolyPhen-2) suggests that this variant is likely to be disruptive. In summary, the available evidence is currently insufficient to determine the role of this variant in disease. Therefore, it has been classified as a Variant of Uncertain Significance.